The following is an entry in ClinVar:

ClinVar aggregate classification (germline): Likely benign. Review status: criteria provided, single submitter (1 of 4 stars). 2 submissions from 2 submitters: Likely benign (1). 1 of the submissions does not count toward it. Last evaluated 2024-11-25.

Conditions:
TSC2-related disorder. Also called: TSC2-related condition; TSC2-Related Disorders.

Allele frequency attached by ClinVar (database versions not stated): 1000 Genomes Project 0.00020; gnomAD 0.00020; gnomAD exomes 0.00026; 1000 Genomes Project 30x 0.00031; TOPMed 0.00031.

Submissions (2):

Blueprint Genetics
Classification: Likely benign. Last evaluated: 2024-11-25. Review status: criteria provided, single submitter. Criteria: ACMG Guidelines, 2015. Collection method: clinical testing. Allele origin: germline.

PreventionGenetics, part of Exact Sciences
Classification: Likely benign for TSC2-related condition. Last evaluated: 2023-02-04. Review status: no assertion criteria provided. Collection method: clinical testing. Allele origin: germline. Not counted in ClinVar's aggregate classification.
Comment: This variant is classified as likely benign based on ACMG/AMP sequence variant interpretation guidelines (Richards et al. 2015 PMID: 25741868, with internal and published modifications).

NM_000548.5(TSC2):c.600-155G>A

Gene: TSC2 (TSC complex subunit 2; plus strand). Cytogenetic location: 16p13.3.
Variant type: single nucleotide variant.
Coding change: c.600-155G>A on transcript NM_000548.5 (MANE Select); 155 bases into the intron before coding-DNA position 600, G replaced by A.
Molecular consequence: intron variant. On other transcripts: 5 prime UTR variant (4).
Genome position (GRCh38, 1-based): chr16:2,056,041, G>A. VCF-style: chr16-2056041-G-A. GRCh37 (hg19) VCF-style: chr16-2106042-G-A.
Other names: c.-156G>A (NM_001406680.1, NM_001406683.1, NM_001406687.1); c.-987G>A (NM_001406693.1); c.690-155G>A (NM_001406667.1, NM_001406668.1); c.-832-155G>A (NM_001406689.1, NM_001406690.1, NM_001406692.1 and 2 more transcripts); c.-1008-155G>A (NM_001406698.1); c.600-155G>A (NM_001114382.3, NM_001406663.1, NM_001406664.1 and 8 more transcripts); c.489-155G>A (NM_001406678.1, NM_001406670.1, NM_001318827.2); c.-1-155G>A (NM_001406682.1, NM_001406684.1, NM_001406685.1 and 3 more transcripts); and 6 more.
Identifiers: ClinVar variation 3046888 (VCV003046888.3), dbSNP rs542214184, ClinGen allele CA276772496.